The following is an entry in ClinVar:

ClinVar aggregate classification (germline): Uncertain significance (1 of 4 stars; one submission).

Allele frequency attached by ClinVar (database versions not stated): gnomAD exomes below 0.00001.
gnomAD v4.1: 1 of 1,613,656 alleles (0.000062%); highest among the groups gnomAD compares: Non-Finnish European, 0.000085%; no homozygotes.

Submission:

Labcorp Genetics (formerly Invitae), Labcorp
Classification: Uncertain significance. Last evaluated: 2022-01-27. Review status: criteria provided, single submitter. Criteria: Invitae Variant Classification Sherloc (09022015). Collection method: clinical testing. Allele origin: germline.
Comment: In summary, the available evidence is currently insufficient to determine the role of this variant in disease. Therefore, it has been classified as a Variant of Uncertain Significance. This sequence change replaces isoleucine, which is neutral and non-polar, with asparagine, which is neutral and polar, at codon 2226 of the PCLO protein (p.Ile2226Asn). This variant is not present in population databases (gnomAD no frequency). This variant has not been reported in the literature in individuals affected with PCLO-related conditions. Algorithms developed to predict the effect of missense changes on protein structure and function are either unavailable or do not agree on the potential impact of this missense change (SIFT: "Deleterious"; PolyPhen-2: "Not Available"; Align-GVGD: "Class C0").

NM_033026.6(PCLO):c.6677T>A (p.Ile2226Asn)

Gene: PCLO (piccolo presynaptic cytomatrix protein; minus strand). Cytogenetic location: 7q21.11.
Variant type: single nucleotide variant.
Coding change: c.6677T>A on transcript NM_033026.6 (MANE Select); coding-DNA position 6677, T replaced by A.
Protein change: p.Ile2226Asn; replaces isoleucine 2226 with asparagine.
Molecular consequence: missense variant.
Genome position (GRCh38, 1-based): chr7:82,954,276, A>T on the plus strand (T>A on the coding strand, the complement: PCLO is on the minus strand). VCF-style: chr7-82954276-A-T. GRCh37 (hg19) VCF-style: chr7-82583592-A-T.
Other names: c.6677T>A, p.Ile2226Asn (NM_014510.3); short protein forms I2226N.
Identifiers: ClinVar variation 2047118 (VCV002047118.3), dbSNP rs2535701235, ClinGen allele CA367918626.